The following is an entry in ClinVar:

NM_139057.4(ADAMTS17):c.3223C>T (p.Arg1075Cys)

Gene: ADAMTS17 (ADAM metallopeptidase with thrombospondin type 1 motif 17; minus strand). Cytogenetic location: 15q26.3.
Variant type: single nucleotide variant.
Coding change: c.3223C>T on transcript NM_139057.4 (MANE Select); coding-DNA position 3223, C replaced by T.
Protein change: p.Arg1075Cys; replaces arginine 1075 with cysteine.
Molecular consequence: missense variant.
Genome position (GRCh38, 1-based): chr15:99,974,467, G>A on the plus strand (C>T on the coding strand, the complement: ADAMTS17 is on the minus strand). VCF-style: chr15-99974467-G-A. GRCh37 (hg19) VCF-style: chr15-100514672-G-A.
Other names: short protein forms R1075C.
Identifiers: ClinVar variation 886447 (VCV000886447.7), dbSNP rs202106289, ClinGen allele CA7757421.

ClinVar aggregate classification (germline): Uncertain significance. Review status: criteria provided, multiple submitters, no conflicts (2 of 4 stars). 2 submissions from 2 submitters: Uncertain significance (2). Last evaluated 2022-07-19.

Conditions:
Weill-Marchesani 4 syndrome, recessive. Also called: Weill-Marchesani syndrome 4. Identifiers: Orphanet 363992, MedGen C2750787, MONDO:0013176, OMIM 613195.

Allele frequency attached by ClinVar (database versions not stated): ExAC 0.00002; gnomAD exomes 0.00002; gnomAD 0.00003 and 0.00004; TOPMed 0.00005; ESP Exome Variant Server 0.00008.
gnomAD v4.1: 49 of 1,614,106 alleles (0.003%); highest among the groups gnomAD compares: Non-Finnish European, 0.0036%; 1 homozygote.

Submissions (2):

Labcorp Genetics (formerly Invitae), Labcorp
Classification: Uncertain significance. Last evaluated: 2022-07-19. Review status: criteria provided, single submitter. Criteria: Invitae Variant Classification Sherloc (09022015). Collection method: clinical testing. Allele origin: germline.
Comment: This sequence change replaces arginine, which is basic and polar, with cysteine, which is neutral and slightly polar, at codon 1075 of the ADAMTS17 protein (p.Arg1075Cys). In summary, the available evidence is currently insufficient to determine the role of this variant in disease. Therefore, it has been classified as a Variant of Uncertain Significance. Algorithms developed to predict the effect of missense changes on protein structure and function are either unavailable or do not agree on the potential impact of this missense change (SIFT: "Not Available"; PolyPhen-2: "Probably Damaging"; Align-GVGD: "Not Available"). ClinVar contains an entry for this variant (Variation ID: 886447). This variant has not been reported in the literature in individuals affected with ADAMTS17-related conditions. This variant is present in population databases (rs202106289, gnomAD 0.006%).

Illumina Laboratory Services, Illumina
Classification: Uncertain significance for Weill-Marchesani 4 syndrome, recessive. Last evaluated: 2018-01-13. Review status: criteria provided, single submitter. Criteria: ICSL Variant Classification Criteria 13 December 2019. Collection method: clinical testing. Allele origin: germline.